The following is an entry in ClinVar:

Single allele

Genes: DNAJB8 (DnaJ heat shock protein family (Hsp40) member B8; minus strand), GATA2 (GATA binding protein 2; minus strand). Cytogenetic location: 3q21.3.
Variant type: Deletion.
Identifiers: ClinVar variation 1183992 (VCV001183992.1).

ClinVar aggregate classification (germline): Pathogenic (1 of 4 stars; one submission).

Conditions:
Deafness-lymphedema-leukemia syndrome. Also called: Emberger syndrome; Lymphedema, primary, with myelodysplasia. Identifiers: Orphanet 3226, MedGen C3279664, MONDO:0013540, OMIM 614038.
GATA2 deficiency with susceptibility to MDS/AML. Identifiers: MedGen CN300066, MONDO:0042982.

Submission:

Molecular Pathology Research Laboratory, SA Pathology
Classification: Pathogenic for GATA2 deficiency with susceptibility to MDS/AML; Deafness-lymphedema-leukemia syndrome. Last evaluated: 2021-07-06. Review status: criteria provided, single submitter. Criteria: ACMG Guidelines, 2015. Collection method: curation. Allele origin: unknown. Inheritance: Autosomal dominant inheritance. Affected: yes. Observed: 1 variant allele.
Comment: PVS1, PS4_Supporting, PM2

Literature cited by the submitters: PubMed 2322343; PubMed 29724903.